The following is an entry in ClinVar:

ClinVar aggregate classification (germline): Uncertain significance (1 of 4 stars; one submission).

Allele frequency attached by ClinVar (database versions not stated): gnomAD 0.00001; TOPMed 0.00001.
gnomAD v4.1: 3 of 1,209,578 alleles (0.00025%); highest among the groups gnomAD compares: African/African-American, 0.0052%; no homozygotes.

Submission:

Labcorp Genetics (formerly Invitae), Labcorp
Classification: Uncertain significance. Last evaluated: 2022-08-08. Review status: criteria provided, single submitter. Criteria: Invitae Variant Classification Sherloc (09022015). Collection method: clinical testing. Allele origin: germline.
Comment: This sequence change replaces leucine, which is neutral and non-polar, with valine, which is neutral and non-polar, at codon 89 of the PGK1 protein (p.Leu89Val). This variant is not present in population databases (gnomAD no frequency). This variant has not been reported in the literature in individuals affected with PGK1-related conditions. Algorithms developed to predict the effect of missense changes on protein structure and function are either unavailable or do not agree on the potential impact of this missense change (SIFT: "Deleterious"; PolyPhen-2: "Benign"; Align-GVGD: "Class C0"). In summary, the available evidence is currently insufficient to determine the role of this variant in disease. Therefore, it has been classified as a Variant of Uncertain Significance.

NM_000291.4(PGK1):c.265C>G (p.Leu89Val)

Gene: PGK1 (phosphoglycerate kinase 1; plus strand). Cytogenetic location: Xq21.1.
Variant type: single nucleotide variant.
Coding change: c.265C>G on transcript NM_000291.4 (MANE Select); coding-DNA position 265, C replaced by G.
Protein change: p.Leu89Val; replaces leucine 89 with valine.
Molecular consequence: missense variant.
Genome position (GRCh38, 1-based): chrX:78,113,892, C>G. VCF-style: chrX-78113892-C-G. GRCh37 (hg19) VCF-style: chrX-77369389-C-G.
Other names: short protein forms L89V.
Identifiers: ClinVar variation 1939528 (VCV001939528.5), dbSNP rs782415977, ClinGen allele CA413719359.